The following is an entry in ClinVar:

NM_138395.4(MARS2):c.1091G>A (p.Arg364His)

Gene: MARS2 (methionyl-tRNA synthetase 2, mitochondrial; plus strand). Cytogenetic location: 2q33.1.
Variant type: single nucleotide variant.
Coding change: c.1091G>A on transcript NM_138395.4 (MANE Select); coding-DNA position 1091, G replaced by A.
Protein change: p.Arg364His; replaces arginine 364 with histidine.
Molecular consequence: missense variant.
Genome position (GRCh38, 1-based): chr2:197,706,496, G>A. VCF-style: chr2-197706496-G-A. GRCh37 (hg19) VCF-style: chr2-198571220-G-A.
Other names: short protein forms R364H.
Identifiers: ClinVar variation 1504536 (VCV001504536.6), dbSNP rs749816014, ClinGen allele CA62878843.

ClinVar aggregate classification (germline): Uncertain significance (1 of 4 stars; one submission).

Allele frequency attached by ClinVar (database versions not stated): TOPMed 0.00002.

Submission:

Labcorp Genetics (formerly Invitae), Labcorp
Classification: Uncertain significance. Last evaluated: 2022-09-13. Review status: criteria provided, single submitter. Criteria: Invitae Variant Classification Sherloc (09022015). Collection method: clinical testing. Allele origin: germline.
Comment: This variant is present in population databases (no rsID available, gnomAD 0.003%). In summary, the available evidence is currently insufficient to determine the role of this variant in disease. Therefore, it has been classified as a Variant of Uncertain Significance. Advanced modeling of protein sequence and biophysical properties (such as structural, functional, and spatial information, amino acid conservation, physicochemical variation, residue mobility, and thermodynamic stability) performed at Invitae indicates that this missense variant is not expected to disrupt MARS2 protein function. ClinVar contains an entry for this variant (Variation ID: 1504536). This variant has not been reported in the literature in individuals affected with MARS2-related conditions. This sequence change replaces arginine, which is basic and polar, with histidine, which is basic and polar, at codon 364 of the MARS2 protein (p.Arg364His).